The following is an entry in ClinVar:

ClinVar aggregate classification (germline): Pathogenic (0 of 4 stars; one submission).

Conditions:
Fanconi anemia complementation group A (FANCA). Also called: Fanconi anemia, group A; FANCA-Related Fanconi Anemia. Identifiers: Orphanet 84, MedGen C3469521, MONDO:0009215, OMIM 227650.

Submission:

Leiden Open Variation Database
Classification: Pathogenic for Fanconi anemia complementation group A. Last evaluated: 2020-02-28. Review status: no assertion criteria provided. Collection method: curation. Allele origin: germline. Affected: yes.
Comment: Curator: Arleen D. Auerbach. Submitter to LOVD: Arleen D. Auerbach.

NM_000135.4(FANCA):c.3386A>T (p.Asp1129Val)

Genes: FANCA (FA complementation group A; minus strand), LOC132090450 (Neanderthal introgressed variant-containing enhancer experimental_46718; plus strand). Cytogenetic location: 16q24.3.
Variant type: single nucleotide variant.
Coding change: c.3386A>T on transcript NM_000135.4 (MANE Select); coding-DNA position 3386, A replaced by T.
Protein change: p.Asp1129Val; replaces aspartic acid 1129 with valine.
Molecular consequence: missense variant.
Genome position (GRCh38, 1-based): chr16:89,746,853, T>A on the plus strand (A>T on the coding strand, the complement: FANCA is on the minus strand). VCF-style: chr16-89746853-T-A. GRCh37 (hg19) VCF-style: chr16-89813261-T-A.
Other names: c.3386A>T, p.Asp1129Val (NM_001286167.3); short protein forms D1129V.
Identifiers: ClinVar variation 974049 (VCV000974049.1), dbSNP rs2038408351, ClinGen allele CA397486086.